The following is an entry in ClinVar:

NM_015311.3(OBSL1):c.1334A>G (p.Asn445Ser)

Gene: OBSL1 (obscurin like cytoskeletal adaptor 1; minus strand). Cytogenetic location: 2q35.
Variant type: single nucleotide variant.
Coding change: c.1334A>G on transcript NM_015311.3 (MANE Select); coding-DNA position 1334, A replaced by G.
Protein change: p.Asn445Ser; replaces asparagine 445 with serine.
Molecular consequence: missense variant.
Genome position (GRCh38, 1-based): chr2:219,567,918, T>C on the plus strand (A>G on the coding strand, the complement: OBSL1 is on the minus strand). VCF-style: chr2-219567918-T-C. GRCh37 (hg19) VCF-style: chr2-220432640-T-C.
Other names: c.1334A>G, p.Asn445Ser (NM_001173408.2, NM_001173431.2); short protein forms N445S.
Identifiers: ClinVar variation 1502311 (VCV001502311.8), dbSNP rs1243735552, ClinGen allele CA350759683.

ClinVar aggregate classification (germline): Uncertain significance (1 of 4 stars; one submission).

Allele frequency attached by ClinVar (database versions not stated): gnomAD exomes below 0.00001; TOPMed below 0.00001.
gnomAD v4.1: 1 of 1,613,822 alleles (0.000062%); highest among the groups gnomAD compares: Non-Finnish European, 0.000085%; no homozygotes.

Submission:

Labcorp Genetics (formerly Invitae), Labcorp
Classification: Uncertain significance. Last evaluated: 2022-06-13. Review status: criteria provided, single submitter. Criteria: Invitae Variant Classification Sherloc (09022015). Collection method: clinical testing. Allele origin: germline.
Comment: This variant is present in population databases (no rsID available, gnomAD 0.0009%). In summary, the available evidence is currently insufficient to determine the role of this variant in disease. Therefore, it has been classified as a Variant of Uncertain Significance. Algorithms developed to predict the effect of missense changes on protein structure and function are either unavailable or do not agree on the potential impact of this missense change (SIFT: "Deleterious"; PolyPhen-2: "Probably Damaging"; Align-GVGD: "Class C0"). This variant has not been reported in the literature in individuals affected with OBSL1-related conditions. This sequence change replaces asparagine, which is neutral and polar, with serine, which is neutral and polar, at codon 445 of the OBSL1 protein (p.Asn445Ser).